The following is an entry in ClinVar:

NM_001267550.2(TTN):c.20025C>A (p.Ala6675=)

Genes: TTN (titin; minus strand), LOC126806429 (BRD4-independent group 4 enhancer GRCh37_chr2:179591393-179592592; plus strand). Cytogenetic location: 2q31.2.
Variant type: single nucleotide variant.
Coding change: c.20025C>A on transcript NM_001267550.2 (MANE Select); coding-DNA position 20025, C replaced by A.
Protein change: p.Ala6675=; no amino-acid change (alanine 6675 retained).
Molecular consequence: synonymous variant. On other transcripts: intron variant (3).
Genome position (GRCh38, 1-based): chr2:178,727,340, G>T on the plus strand (C>A on the coding strand, the complement: TTN is on the minus strand). VCF-style: chr2-178727340-G-T. GRCh37 (hg19) VCF-style: chr2-179592067-G-T.
Other names: c.13282+10742C>A (NM_003319.4); c.13858+10742C>A (NM_133437.4); c.13657+10742C>A (NM_133432.3); c.19074C>A, p.Ala6358= (NM_001256850.1); c.16293C>A, p.Ala5431= (NM_133378.4).
Identifiers: ClinVar variation 46665 (VCV000046665.25), dbSNP rs373842558, ClinGen allele CA138895.

ClinVar aggregate classification (germline): Benign/Likely benign. Review status: criteria provided, multiple submitters, no conflicts (2 of 4 stars). 12 submissions from 9 submitters: Benign (9); Likely benign (3). Last evaluated 2026-01-09.

Conditions:
Autosomal recessive limb-girdle muscular dystrophy type 2J (LGMDR10). Also called: Limb-girdle muscular dystrophy, type 2J; MUSCULAR DYSTROPHY, LIMB-GIRDLE, AUTOSOMAL RECESSIVE 10. Identifiers: Orphanet 140922, MedGen C1837342, MONDO:0012127, OMIM 608807.
Dilated cardiomyopathy 1G (CMD1G). Identifiers: Orphanet 154, MedGen C1858763, MONDO:0011400, OMIM 604145.
Early-onset myopathy with fatal cardiomyopathy (CMYO5). Also called: Salih Myopathy; CONGENITAL MYOPATHY 5 WITH CARDIOMYOPATHY. Identifiers: Orphanet 289377, MedGen C2673677, MONDO:0012714, OMIM 611705. Disease mechanism: loss of function.
Myopathy, myofibrillar, 9, with early respiratory failure (MFM9). Also called: Hereditary myopathy with early respiratory failure; EDSTROM MYOPATHY; MYOPATHY, PROXIMAL, WITH EARLY RESPIRATORY MUSCLE INVOLVEMENT; Myopathy, distal, with early respiratory failure, autosomal dominant. Identifiers: Orphanet 178464, Orphanet 34521, MedGen C1863599, MONDO:0011362, OMIM 603689.
Tibial muscular dystrophy (TMD). Also called: UDD MYOPATHY; Udd Distal Myopathy – Tibial Muscular Dystrophy; Tibial muscular dystrophy, tardive. Identifiers: Orphanet 609, MedGen C1838244, MONDO:0010870, OMIM 600334.

Allele frequency attached by ClinVar (database versions not stated): gnomAD exomes 0.00007 and 0.00020; 1000 Genomes Project 0.00020; ExAC 0.00024; 1000 Genomes Project 30x 0.00031; gnomAD 0.00073 and 0.00079; TOPMed 0.00092; ESP Exome Variant Server 0.00110.
gnomAD v4.1: 206 of 1,606,204 alleles (0.013%); highest among the groups gnomAD compares: African/African-American, 0.26%; no homozygotes.

Submissions (12):

Labcorp Genetics (formerly Invitae), Labcorp
Classification: Benign for Dilated cardiomyopathy 1G; Autosomal recessive limb-girdle muscular dystrophy type 2J. Last evaluated: 2026-01-09. Review status: criteria provided, single submitter. Criteria: Invitae Variant Classification Sherloc (09022015). Collection method: clinical testing. Allele origin: germline.

Women's Health and Genetics/Laboratory Corporation of America, LabCorp
Classification: Likely benign. Last evaluated: 2025-12-11. Review status: criteria provided, single submitter. Criteria: LabCorp Variant Classification Summary - May 2015. Collection method: clinical testing. Allele origin: germline.

Molecular Diagnostic Laboratory for Inherited Cardiovascular Disease, Montreal Heart Institute
Classification: Benign. Last evaluated: 2025-04-09. Review status: criteria provided, single submitter. Criteria: ACMG Guidelines, 2015. Collection method: clinical testing. Allele origin: germline. Affected: no.
Comment: BS1;BP6;BP7

Blueprint Genetics
Classification: Likely benign. Last evaluated: 2024-11-11. Review status: criteria provided, single submitter. Criteria: ACMG Guidelines, 2015. Collection method: clinical testing. Allele origin: germline.

Genome-Nilou Lab
Classification: Benign for Autosomal recessive limb-girdle muscular dystrophy type 2J. Last evaluated: 2021-09-10. Review status: criteria provided, single submitter. Criteria: ACMG Guidelines, 2015. Collection method: clinical testing. Allele origin: germline. Affected: no.

Genome-Nilou Lab
Classification: Benign for Myopathy, myofibrillar, 9, with early respiratory failure. Last evaluated: 2021-09-10. Review status: criteria provided, single submitter. Criteria: ACMG Guidelines, 2015. Collection method: clinical testing. Allele origin: germline. Affected: no.

Genome-Nilou Lab
Classification: Benign for Early-onset myopathy with fatal cardiomyopathy. Last evaluated: 2021-09-10. Review status: criteria provided, single submitter. Criteria: ACMG Guidelines, 2015. Collection method: clinical testing. Allele origin: germline. Affected: no.

Genome-Nilou Lab
Classification: Benign for Tibial muscular dystrophy. Last evaluated: 2021-09-10. Review status: criteria provided, single submitter. Criteria: ACMG Guidelines, 2015. Collection method: clinical testing. Allele origin: germline. Affected: no.

Athena Diagnostics
Classification: Benign. Last evaluated: 2016-10-28. Review status: criteria provided, single submitter. Criteria: Athena Diagnostics Criteria. Collection method: clinical testing. Allele origin: germline.

GeneDx
Classification: Benign. Last evaluated: 2016-04-13. Review status: criteria provided, single submitter. Criteria: GeneDx Variant Classification (06012015). Collection method: clinical testing. Allele origin: germline. Affected: yes.
Comment: This variant is considered likely benign or benign based on one or more of the following criteria: it is a conservative change, it occurs at a poorly conserved position in the protein, it is predicted to be benign by multiple in silico algorithms, and/or has population frequency not consistent with disease.

Eurofins Ntd Llc (ga)
Classification: Likely benign. Last evaluated: 2015-08-21. Review status: criteria provided, single submitter. Criteria: EGL Classification Definitions 2015. Collection method: clinical testing. Allele origin: germline. Observed: 2 variant alleles, 2 heterozygotes.

Laboratory for Molecular Medicine, Mass General Brigham Personalized Medicine
Classification: Benign. Last evaluated: 2012-01-24. Review status: criteria provided, single submitter. Criteria: LMM Criteria. Collection method: clinical testing. Allele origin: germline. Observed: 2 variant alleles.